The following is an entry in ClinVar:

NM_030928.4(CDT1):c.998C>T (p.Pro333Leu)

Gene: CDT1 (chromatin licensing and DNA replication factor 1; plus strand). Cytogenetic location: 16q24.3.
Variant type: single nucleotide variant.
Coding change: c.998C>T on transcript NM_030928.4 (MANE Select); coding-DNA position 998, C replaced by T.
Protein change: p.Pro333Leu; replaces proline 333 with leucine.
Molecular consequence: missense variant.
Genome position (GRCh38, 1-based): chr16:88,806,550, C>T. VCF-style: chr16-88806550-C-T. GRCh37 (hg19) VCF-style: chr16-88872958-C-T.
Other names: c.998C>T (NM_030928.3); short protein forms P333L.
Identifiers: ClinVar variation 1422220 (VCV001422220.9), dbSNP rs150252167, ClinGen allele CA8233947.

ClinVar aggregate classification (germline): Uncertain significance. Review status: criteria provided, multiple submitters, no conflicts (2 of 4 stars). 2 submissions from 2 submitters: Uncertain significance (2). Last evaluated 2025-03-15.

Conditions:
Inborn genetic diseases. Identifiers: MedGen C0950123, MeSH D030342.

Allele frequency attached by ClinVar (database versions not stated): gnomAD exomes 0.00002 and 0.00005; gnomAD 0.00004 and 0.00003; ExAC 0.00007; ESP Exome Variant Server 0.00015; TOPMed 0.00008.
gnomAD v4.1: 31 of 1,609,294 alleles (0.0019%); highest among the groups gnomAD compares: Middle Eastern, 0.016%; no homozygotes.

Submissions (2):

Ambry Genetics
Classification: Uncertain significance for Inborn genetic diseases. Last evaluated: 2025-03-15. Review status: criteria provided, single submitter. Criteria: Ambry Variant Classification Scheme 2023. Collection method: clinical testing. Allele origin: germline.

Labcorp Genetics (formerly Invitae), Labcorp
Classification: Uncertain significance. Last evaluated: 2022-11-01. Review status: criteria provided, single submitter. Criteria: Invitae Variant Classification Sherloc (09022015). Collection method: clinical testing. Allele origin: germline.
Comment: In summary, the available evidence is currently insufficient to determine the role of this variant in disease. Therefore, it has been classified as a Variant of Uncertain Significance. Algorithms developed to predict the effect of missense changes on protein structure and function (SIFT, PolyPhen-2, Align-GVGD) all suggest that this variant is likely to be disruptive. ClinVar contains an entry for this variant (Variation ID: 1422220). This variant has not been reported in the literature in individuals affected with CDT1-related conditions. This variant is present in population databases (rs150252167, gnomAD 0.03%). This sequence change replaces proline, which is neutral and non-polar, with leucine, which is neutral and non-polar, at codon 333 of the CDT1 protein (p.Pro333Leu).